The following is an entry in ClinVar:

ClinVar aggregate classification (germline): Uncertain significance. Review status: criteria provided, multiple submitters, no conflicts (2 of 4 stars). 2 submissions from 2 submitters: Uncertain significance (2). Last evaluated 2026-01-19.

Conditions:
Hereditary cancer-predisposing syndrome. Also called: Neoplastic Syndromes, Hereditary; Tumor predisposition; Hereditary Cancer Syndrome; Hereditary neoplastic syndrome. Identifiers: Orphanet 140162, MedGen C0027672, MeSH D009386, MONDO:0015356.
Cardiovascular phenotype. Identifiers: MedGen CN230736.

Allele frequency attached by ClinVar (database versions not stated): gnomAD 0.00001; TOPMed 0.00002; ESP Exome Variant Server 0.00008.

Submissions (2):

Labcorp Genetics (formerly Invitae), Labcorp
Classification: Uncertain significance. Last evaluated: 2026-01-19. Review status: criteria provided, single submitter. Criteria: Invitae Variant Classification Sherloc (09022015). Collection method: clinical testing. Allele origin: germline.
Comment: This sequence change replaces glutamic acid, which is acidic and polar, with glutamine, which is neutral and polar, at codon 605 of the LZTR1 protein (p.Glu605Gln). This variant is not present in population databases (gnomAD no frequency). This variant has not been reported in the literature in individuals affected with LZTR1-related conditions. ClinVar contains an entry for this variant (Variation ID: 1780632). Invitae Evidence Modeling of protein sequence and biophysical properties (such as structural, functional, and spatial information, amino acid conservation, physicochemical variation, residue mobility, and thermodynamic stability) indicates that this missense variant is not expected to disrupt LZTR1 protein function with a negative predictive value of 80%. In summary, the available evidence is currently insufficient to determine the role of this variant in disease. Therefore, it has been classified as a Variant of Uncertain Significance.

Ambry Genetics
Classification: Uncertain significance for Cardiovascular phenotype; Hereditary cancer-predisposing syndrome. Last evaluated: 2024-02-25. Review status: criteria provided, single submitter. Criteria: Ambry Variant Classification Scheme 2023. Collection method: clinical testing. Allele origin: germline.
Comment: The p.E605Q variant (also known as c.1813G>C), located in coding exon 16 of the LZTR1 gene, results from a G to C substitution at nucleotide position 1813. The glutamic acid at codon 605 is replaced by glutamine, an amino acid with highly similar properties. This amino acid position is highly conserved in available vertebrate species. In addition, this alteration is predicted to be tolerated by in silico analysis. Based on the available evidence, the clinical significance of this alteration remains unclear.

NM_006767.4(LZTR1):c.1813G>C (p.Glu605Gln)

Gene: LZTR1 (leucine zipper like post translational regulator 1; plus strand). Cytogenetic location: 22q11.21.
Variant type: single nucleotide variant.
Coding change: c.1813G>C on transcript NM_006767.4 (MANE Select); coding-DNA position 1813, G replaced by C.
Protein change: p.Glu605Gln; replaces glutamic acid 605 with glutamine.
Molecular consequence: missense variant.
Genome position (GRCh38, 1-based): chr22:20,994,897, G>C. VCF-style: chr22-20994897-G-C. GRCh37 (hg19) VCF-style: chr22-21349186-G-C.
Other names: short protein forms E605Q.
Identifiers: ClinVar variation 1780632 (VCV001780632.4), dbSNP rs140867378, ClinGen allele CA322270042.